The following is an entry in ClinVar:

ClinVar aggregate classification (germline): Uncertain significance. Review status: reviewed by expert panel (3 of 4 stars). 4 submissions from 4 submitters: Uncertain significance (1). 3 of the submissions do not count toward it. Last evaluated 2025-01-15.

Conditions:
Acute myeloid leukemia (AML). Also called: Acute myeloid leukemia, adult; AML adult; Acute non-lymphocytic leukemia; Acute granulocytic leukemia; Leukemia, acute myelogenous, somatic; Leukemia, acute myeloid, somatic. Identifiers: Orphanet 519, MedGen C0023467, MeSH D015470, MONDO:0018874, OMIM 601626, HP:0004808. Disease mechanism: Constitutively activated FLT3.
Hereditary thrombocytopenia and hematologic cancer predisposition syndrome. Identifiers: Orphanet 71290, MedGen CN281654, MONDO:0011071.
Hereditary thrombocytopenia and hematological cancer predisposition syndrome associated with RUNX1. Also called: Familial Platelet Disorder with Propensity to Acute Myelogenous Leukemia; Familial thrombocytopenia with propensity to acute myelogenous leukemia; PLATELET DISORDER, ASPIRIN-LIKE; RUNX1 Familial Platelet Disorder with Associated Myeloid Malignancies. Identifiers: Orphanet 71290, MedGen C1832388, MeSH C563324, MONDO:0100083, OMIM 601399.
Inborn genetic diseases. Identifiers: MedGen C0950123, MeSH D030342.

Submissions (4):

ClinGen Myeloid Malignancy Variant Curation Expert Panel
Classification: Uncertain significance for Hereditary thrombocytopenia and hematologic cancer predisposition syndrome. Last evaluated: 2025-01-15. Review status: reviewed by expert panel. Criteria: ClinGen MyeloMalig ACMG Specifications v2. Collection method: curation. Allele origin: germline. Inheritance: Autosomal dominant inheritance.
Comment: NM_001754.5(RUNX1):c.463G>A (p.Val155Ile) is a missense variant which is completely absent from all population databases with at least 20x coverage for RUNX1 (PM2_supporting). This missense variant is located within the Runt Homology Domain (AA 89-204) but does not occur in an established hotspot residue (PM1_supporting). In summary, the clinical significance of this variant is uncertain. ACMG/AMP criteria applied, as specified by the Myeloid Malignancy Variant Curation Expert Panel for RUNX1: PM1_supporting, PM2_supporting.

Ambry Genetics
Classification: Uncertain significance for Inborn genetic diseases. Last evaluated: 2025-11-19. Review status: criteria provided, single submitter. Criteria: Ambry Variant Classification Scheme 2023. Collection method: clinical testing. Allele origin: germline. Not counted in ClinVar's aggregate classification.
Comment: The p.V155I variant (also known as c.463G>A), located in coding exon 4 of the RUNX1 gene, results from a G to A substitution at nucleotide position 463. The valine at codon 155 is replaced by isoleucine, an amino acid with highly similar properties. This amino acid position is conserved. In addition, this alteration is predicted to be deleterious by in silico analysis. Based on the available evidence, the clinical significance of this variant remains unclear.

Labcorp Genetics (formerly Invitae), Labcorp
Classification: Uncertain significance for Hereditary thrombocytopenia and hematological cancer predisposition syndrome associated with RUNX1. Last evaluated: 2024-03-02. Review status: criteria provided, single submitter. Criteria: Invitae Variant Classification Sherloc (09022015). Collection method: clinical testing. Allele origin: germline. Not counted in ClinVar's aggregate classification.
Comment: This sequence change replaces valine, which is neutral and non-polar, with isoleucine, which is neutral and non-polar, at codon 155 of the RUNX1 protein (p.Val155Ile). This variant is not present in population databases (gnomAD no frequency). This variant has not been reported in the literature in individuals affected with RUNX1-related conditions. ClinVar contains an entry for this variant (Variation ID: 1025603). Advanced modeling of protein sequence and biophysical properties (such as structural, functional, and spatial information, amino acid conservation, physicochemical variation, residue mobility, and thermodynamic stability) performed at Invitae indicates that this missense variant is not expected to disrupt RUNX1 protein function with a negative predictive value of 80%. In summary, the available evidence is currently insufficient to determine the role of this variant in disease. Therefore, it has been classified as a Variant of Uncertain Significance.

Baylor Genetics
Classification: Uncertain significance for Acute myeloid leukemia. Last evaluated: 2023-10-09. Review status: criteria provided, single submitter. Criteria: ACMG Guidelines, 2015. Collection method: clinical testing. Allele origin: unknown. Not counted in ClinVar's aggregate classification.

NM_001754.5(RUNX1):c.463G>A (p.Val155Ile)

Genes: RUNX1 (RUNX family transcription factor 1; minus strand), RUNX1-AS1 (RUNX1 antisense RNA 1; plus strand). Cytogenetic location: 21q22.12.
Variant type: single nucleotide variant.
Coding change: c.463G>A on transcript NM_001754.5 (MANE Select); coding-DNA position 463, G replaced by A.
Protein change: p.Val155Ile; replaces valine 155 with isoleucine.
Molecular consequence: missense variant.
Genome position (GRCh38, 1-based): chr21:34,880,602, C>T on the plus strand (G>A on the coding strand, the complement: RUNX1 is on the minus strand). VCF-style: chr21-34880602-C-T. GRCh37 (hg19) VCF-style: chr21-36252899-C-T.
Other names: NM_001754.5(RUNX1):c.463G>A; p.Val155Ile; c.382G>A, p.Val128Ile (NM_001001890.3, NM_001122607.2); c.463G>A (NM_001754.4); short protein forms V128I, V155I.
Identifiers: ClinVar variation 1025603 (VCV001025603.12), dbSNP rs763464804, ClinGen allele CA410202557.
Genomic context (GRCh38, chr21:34,880,602, plus strand): 5'-TGACAGATAACGTACCTCTTCCACTTCGACCGACAAACCTGAGGTCATTAAATCTTGCAA[C>T]CTGGTTCTTCATGGCTGCGGTAGCATTTCTCAGCTCAGCCGAGTAGTTTTCATCATTGCC-3'
Protein context (NP_001745.2, residues 145-165): RNATAAMKNQ[Val155Ile]ARFNDLRFVG